The following is an entry in ClinVar:

ClinVar aggregate classification (germline): Uncertain significance (1 of 4 stars; one submission).

Submission:

CeGaT Center for Human Genetics Tuebingen
Classification: Uncertain significance. Last evaluated: 2025-09-01. Review status: criteria provided, single submitter. Criteria: CeGaT Center For Human Genetics Tuebingen Variant Classification Criteria Version 2. Collection method: clinical testing. Allele origin: germline. Affected: yes. Observed: 1 variant allele.
Comment: ARHGEF1: PM2, BP4

NM_004706.4(ARHGEF1):c.*19C>T

Gene: ARHGEF1 (Rho guanine nucleotide exchange factor 1; plus strand). Cytogenetic location: 19q13.2.
Variant type: single nucleotide variant.
Coding change: c.*19C>T on transcript NM_004706.4 (MANE Select); 19 bases downstream of the stop codon, C replaced by T.
Molecular consequence: 3 prime UTR variant. On other transcripts: missense variant (2), non-coding transcript variant (1), intron variant (2).
Genome position (GRCh38, 1-based): chr19:41,907,106, C>T. VCF-style: chr19-41907106-C-T. GRCh37 (hg19) VCF-style: chr19-42411258-C-T.
Other names: c.*19C>T (NM_001396000.1, NM_198977.2, NM_199002.2); c.2495C>T, p.Ala832Val (NM_001396004.1); c.2594C>T, p.Ala865Val (NM_001396006.1); c.2592+303C>T (NM_001396003.1); c.2493+303C>T (NM_001396002.1); short protein forms A832V, A865V.
Identifiers: ClinVar variation 4281265 (VCV004281265.7).
Genomic context (GRCh38, chr19:41,907,106, plus strand): 5'-TCTCTCCCTGTCTCTCTCTCCATCTCTCCCCGTCTCCCCTCTTCTCCTACATCCCCCAGG[C>T]CTTTTGCAAGAAGGAGAGGAATGGGGGAGAGGACGTGAGGGACCACCCCCACCCACACAG-3'